The following is an entry in ClinVar:

NM_020702.5(MYORG):c.756G>C (p.Thr252=)

Gene: MYORG (myogenesis regulating glycosidase; minus strand). Cytogenetic location: 9p13.3.
Variant type: single nucleotide variant.
Coding change: c.756G>C on transcript NM_020702.5 (MANE Select); coding-DNA position 756, G replaced by C.
Protein change: p.Thr252=; no amino-acid change (threonine 252 retained).
Molecular consequence: synonymous variant.
Genome position (GRCh38, 1-based): chr9:34,372,188, C>G on the plus strand (G>C on the coding strand, the complement: MYORG is on the minus strand). VCF-style: chr9-34372188-C-G. GRCh37 (hg19) VCF-style: chr9-34372186-C-G.
Identifiers: ClinVar variation 3047720 (VCV003047720.6), dbSNP rs552116084, ClinGen allele CA5033076.

ClinVar aggregate classification (germline): Benign. Review status: criteria provided, multiple submitters, no conflicts (2 of 4 stars). 3 submissions from 3 submitters: Benign (2). 1 of the submissions does not count toward it. Last evaluated 2026-06-01.

Conditions:
MYORG-related disorder. Also called: MYORG-related condition.

Allele frequency attached by ClinVar (database versions not stated): TOPMed 0.00005; gnomAD 0.00036; 1000 Genomes Project 30x 0.00156; 1000 Genomes Project 0.00180.

Submissions (3):

CeGaT Center for Human Genetics Tuebingen
Classification: Benign. Last evaluated: 2026-06-01. Review status: criteria provided, single submitter. Criteria: CeGaT Center For Human Genetics Tuebingen Variant Classification Criteria Version 2. Collection method: clinical testing. Allele origin: germline. Affected: yes. Observed: 1 variant allele.
Comment: MYORG: BP4, BP7, BS1, BS2

Labcorp Genetics (formerly Invitae), Labcorp
Classification: Benign. Last evaluated: 2024-03-08. Review status: criteria provided, single submitter. Criteria: Invitae Variant Classification Sherloc (09022015). Collection method: clinical testing. Allele origin: germline.

PreventionGenetics, part of Exact Sciences
Classification: Likely benign for MYORG-related condition. Last evaluated: 2019-04-09. Review status: no assertion criteria provided. Collection method: clinical testing. Allele origin: germline. Not counted in ClinVar's aggregate classification.
Comment: This variant is classified as likely benign based on ACMG/AMP sequence variant interpretation guidelines (Richards et al. 2015 PMID: 25741868, with internal and published modifications).